The following is an entry in ClinVar:

ClinVar aggregate classification (germline): Conflicting classifications of pathogenicity. Review status: criteria provided, conflicting classifications (1 of 4 stars). 5 submissions from 5 submitters: Uncertain significance (4); Benign (1). Last evaluated 2026-07-23.

Conditions:
WT1-related disorder. Also called: WT1-related disorders. Identifiers: MedGen CN377814.
Drash syndrome (DDS). Also called: NEPHROPATHY, WILMS TUMOR, AND GENITAL ANOMALIES; WILMS TUMOR AND PSEUDO- OR TRUE HERMAPHRODITISM. Identifiers: Orphanet 220, MedGen C0950121, MONDO:0008682, OMIM 194080.
Frasier syndrome. Identifiers: Orphanet 347, MedGen C0950122, MeSH D052159, MONDO:0007635, OMIM 136680.
Wilms tumor 1 (WT1). Also called: Wilms tumor, somatic. Identifiers: Orphanet 654, MedGen CN033288, MONDO:0008679, OMIM 194070.
11p partial monosomy syndrome (WAGR). Also called: CHROMOSOME 11p13 DELETION SYNDROME; WAGR Spectrum Disorder; WAGR Complex; WAGR syndrome. Identifiers: Orphanet 893, MedGen C0206115, MONDO:0008681, OMIM 194072.
Inborn genetic diseases. Identifiers: MedGen C0950123, MeSH D030342.

Allele frequency attached by ClinVar (database versions not stated): gnomAD 0.00001; gnomAD exomes 0.00001 and 0.00002; ExAC 0.00003; TOPMed 0.00003.
gnomAD v4.1: 8 of 1,612,718 alleles (0.0005%); highest among the groups gnomAD compares: Admixed American, 0.005%; no homozygotes.

Submissions (5):

PreventionGenetics, part of Exact Sciences
Classification: Uncertain significance for WT1-related condition. Last evaluated: 2026-07-23. Review status: criteria provided, single submitter. Criteria: ACMG Guidelines, 2015. Collection method: clinical testing. Allele origin: germline.
Comment: The WT1 c.571G>A variant is predicted to result in the amino acid substitution p.Gly191Ser. To our knowledge, this variant has not been reported in the literature. This variant is reported in 0.0087% of alleles in individuals of Latino descent in gnomAD and has conflicting interpretations in ClinVar ranging from uncertain to likely benign (Variation ID: 582327). At this time, the clinical significance of this variant is uncertain due to the absence of conclusive functional and genetic evidence.

Labcorp Genetics (formerly Invitae), Labcorp
Classification: Uncertain significance for Wilms tumor 1; Drash syndrome; 11p partial monosomy syndrome; Frasier syndrome. Last evaluated: 2025-08-24. Review status: criteria provided, single submitter. Criteria: Invitae Variant Classification Sherloc (09022015). Collection method: clinical testing. Allele origin: germline.
Comment: This sequence change replaces glycine, which is neutral and non-polar, with serine, which is neutral and polar, at codon 191 of the WT1 protein (p.Gly191Ser). This variant is present in population databases (rs756501972, gnomAD 0.009%). This variant has not been reported in the literature in individuals affected with WT1-related conditions. ClinVar contains an entry for this variant (Variation ID: 582327). Invitae Evidence Modeling of protein sequence and biophysical properties (such as structural, functional, and spatial information, amino acid conservation, physicochemical variation, residue mobility, and thermodynamic stability) indicates that this missense variant is not expected to disrupt WT1 protein function with a negative predictive value of 95%. In summary, the available evidence is currently insufficient to determine the role of this variant in disease. Therefore, it has been classified as a Variant of Uncertain Significance.

Ambry Genetics
Classification: Benign for Inborn genetic diseases. Last evaluated: 2024-11-18. Review status: criteria provided, single submitter. Criteria: Ambry Variant Classification Scheme 2023. Collection method: clinical testing. Allele origin: germline.

Baylor Genetics
Classification: Uncertain significance for Drash syndrome. Last evaluated: 2023-11-20. Review status: criteria provided, single submitter. Criteria: ACMG Guidelines, 2015. Collection method: clinical testing. Allele origin: unknown.

GeneDx
Classification: Uncertain significance. Last evaluated: 2022-09-16. Review status: criteria provided, single submitter. Criteria: GeneDx Variant Classification Process June 2021. Collection method: clinical testing. Allele origin: germline. Affected: yes.
Comment: Not observed at significant frequency in large population cohorts (gnomAD); In silico analysis supports that this missense variant does not alter protein structure/function; Has not been previously published as pathogenic or benign to our knowledge; This variant is associated with the following publications: (PMID: 8486616)

NM_024426.6(WT1):c.586G>A (p.Gly196Ser)

Genes: WT1 (WT1 transcription factor; minus strand), LOC107982234 (WT1/WT1-AS bi-directional promoter region; plus strand). Cytogenetic location: 11p13.
Variant type: single nucleotide variant.
Coding change: c.586G>A on transcript NM_024426.6 (MANE Select); coding-DNA position 586, G replaced by A.
Protein change: p.Gly196Ser; replaces glycine 196 with serine.
Molecular consequence: missense variant. On other transcripts: non-coding transcript variant (1).
Genome position (GRCh38, 1-based): chr11:32,434,775, C>T on the plus strand (G>A on the coding strand, the complement: WT1 is on the minus strand). VCF-style: chr11-32434775-C-T. GRCh37 (hg19) VCF-style: chr11-32456321-C-T.
Other names: c.586G>A, p.Gly196Ser (NM_000378.6, NM_024424.5); short protein forms G196S.
Identifiers: ClinVar variation 582327 (VCV000582327.14), dbSNP rs756501972, ClinGen allele CA065062.